The following is an entry in ClinVar:

ClinVar aggregate classification (germline): Conflicting classifications of pathogenicity. Review status: criteria provided, conflicting classifications (1 of 4 stars). 4 submissions from 4 submitters: Uncertain significance (3); Likely benign (1). Last evaluated 2026-09-25.

Conditions:
ADGRV1-related disorder. Also called: ADGRV1-related condition; ADGRV1-related disorders.

Allele frequency attached by ClinVar (database versions not stated): gnomAD 0.00007 and 0.00009; gnomAD exomes 0.00006 and 0.00015; ExAC 0.00005; TOPMed 0.00009.
gnomAD v4.1: 236 of 1,613,298 alleles (0.015%); highest among the groups gnomAD compares: Non-Finnish European, 0.017%; no homozygotes.

Submissions (4):

GeneDx
Classification: Uncertain significance. Last evaluated: 2026-09-25. Review status: criteria provided, single submitter. Criteria: GeneDx Variant Classification Process June 2021. Collection method: clinical testing. Allele origin: germline.
Comment: Reported without a second variant in a patient with Usher syndrome in published literature (PMID: 22135276); clinical information was limited; In silico analysis supports that this missense variant has a deleterious effect on protein structure/function; This variant is associated with the following publications: (PMID: 22135276)

PreventionGenetics, part of Exact Sciences
Classification: Uncertain significance for ADGRV1-related condition. Last evaluated: 2026-08-27. Review status: criteria provided, single submitter. Criteria: ACMG Guidelines, 2015. Collection method: clinical testing. Allele origin: germline.
Comment: The ADGRV1 c.6938C>T variant is predicted to result in the amino acid substitution p.Pro2313Leu. To our knowledge, this variant has not been reported in the literature. This variant is reported in 0.014% of alleles in individuals of European (Non-Finnish) descent in gnomAD. At this time, the clinical significance of this variant is uncertain due to the absence of conclusive functional and genetic evidence.

Labcorp Genetics (formerly Invitae), Labcorp
Classification: Likely benign. Last evaluated: 2026-01-28. Review status: criteria provided, single submitter. Criteria: Invitae Variant Classification Sherloc (09022015). Collection method: clinical testing. Allele origin: germline.

Blueprint Genetics
Classification: Uncertain significance. Last evaluated: 2024-11-04. Review status: criteria provided, single submitter. Criteria: ACMG Guidelines, 2015. Collection method: clinical testing. Allele origin: germline.

NM_032119.4(ADGRV1):c.6938C>T (p.Pro2313Leu)

Gene: ADGRV1 (adhesion G protein-coupled receptor V1; plus strand). Cytogenetic location: 5q14.3.
Variant type: single nucleotide variant.
Coding change: c.6938C>T on transcript NM_032119.4 (MANE Select); coding-DNA position 6938, C replaced by T.
Protein change: p.Pro2313Leu; replaces proline 2313 with leucine.
Molecular consequence: missense variant.
Genome position (GRCh38, 1-based): chr5:90,691,028, C>T. VCF-style: chr5-90691028-C-T. GRCh37 (hg19) VCF-style: chr5-89986845-C-T.
Other names: short protein forms P2313L.
Identifiers: ClinVar variation 1026775 (VCV001026775.16), dbSNP rs199571511, ClinGen allele CA3339905.